The following is an entry in ClinVar:

NM_015909.4(NBAS):c.5276T>G (p.Leu1759Arg)

Gene: NBAS (NBAS subunit of NRZ tethering complex; minus strand). Cytogenetic location: 2p24.3.
Variant type: single nucleotide variant.
Coding change: c.5276T>G on transcript NM_015909.4 (MANE Select); coding-DNA position 5276, T replaced by G.
Protein change: p.Leu1759Arg; replaces leucine 1759 with arginine.
Molecular consequence: missense variant. On other transcripts: non-coding transcript variant (1).
Genome position (GRCh38, 1-based): chr2:15,276,964, A>C on the plus strand (T>G on the coding strand, the complement: NBAS is on the minus strand). VCF-style: chr2-15276964-A-C. GRCh37 (hg19) VCF-style: chr2-15417088-A-C.
Other names: c.5276T>G (NM_015909.2); short protein forms L1759R.
Identifiers: ClinVar variation 2193602 (VCV002193602.2), dbSNP rs369797967, ClinGen allele CA1535339.

ClinVar aggregate classification (germline): Uncertain significance. Review status: criteria provided, multiple submitters, no conflicts (2 of 4 stars). 2 submissions from 2 submitters: Uncertain significance (2). Last evaluated 2022-09-27.

Conditions:
Inborn genetic diseases. Identifiers: MedGen C0950123, MeSH D030342.

Allele frequency attached by ClinVar (database versions not stated): ExAC 0.00001; gnomAD exomes 0.00001; ESP Exome Variant Server 0.00008; gnomAD 0.00008; TOPMed 0.00011.
gnomAD v4.1: 28 of 1,613,946 alleles (0.0017%); highest among the groups gnomAD compares: African/African-American, 0.031%; no homozygotes.

Submissions (2):

Labcorp Genetics (formerly Invitae), Labcorp
Classification: Uncertain significance. Last evaluated: 2022-09-27. Review status: criteria provided, single submitter. Criteria: Invitae Variant Classification Sherloc (09022015). Collection method: clinical testing. Allele origin: germline.
Comment: This sequence change replaces leucine, which is neutral and non-polar, with arginine, which is basic and polar, at codon 1759 of the NBAS protein (p.Leu1759Arg). This variant is present in population databases (rs369797967, gnomAD 0.02%). This variant has not been reported in the literature in individuals affected with NBAS-related conditions. Algorithms developed to predict the effect of missense changes on protein structure and function (SIFT, PolyPhen-2, Align-GVGD) all suggest that this variant is likely to be disruptive. In summary, the available evidence is currently insufficient to determine the role of this variant in disease. Therefore, it has been classified as a Variant of Uncertain Significance.

Ambry Genetics
Classification: Uncertain significance for Inborn genetic diseases. Last evaluated: 2021-07-20. Review status: criteria provided, single submitter. Criteria: Ambry Variant Classification Scheme 2023. Collection method: clinical testing. Allele origin: germline.